The following is an entry in ClinVar:

NM_000883.4(IMPDH1):c.1270T>A (p.Cys424Ser)

Gene: IMPDH1 (inosine monophosphate dehydrogenase 1; minus strand). Cytogenetic location: 7q32.1.
Variant type: single nucleotide variant.
Coding change: c.1270T>A on transcript NM_000883.4 (MANE Select); coding-DNA position 1270, T replaced by A.
Protein change: p.Cys424Ser; replaces cysteine 424 with serine.
Molecular consequence: missense variant.
Genome position (GRCh38, 1-based): chr7:128,395,266, A>T on the plus strand (T>A on the coding strand, the complement: IMPDH1 is on the minus strand). VCF-style: chr7-128395266-A-T. GRCh37 (hg19) VCF-style: chr7-128035320-A-T.
Other names: c.1240T>A, p.Cys414Ser (NM_001102605.2); c.1015T>A, p.Cys339Ser (NM_001142573.2); c.1000T>A, p.Cys334Ser (NM_001142574.2); c.940T>A, p.Cys314Ser (NM_001142575.2); c.1171T>A, p.Cys391Ser (NM_001142576.2); c.1063T>A, p.Cys355Ser (NM_001304521.2); c.1162T>A, p.Cys388Ser (NM_183243.3); short protein forms C339S, C391S, C414S, C314S, C355S, C334S, C388S, C424S.
Identifiers: ClinVar variation 2824540 (VCV002824540.4), dbSNP rs2535732143, ClinGen allele CA369164122.
Genomic context (GRCh38, chr7:128,395,266, plus strand): 5'-CACCAAAGCGCCGGGCATACTCAGCCACCTTGTACACAGCAGTGCCCTGGGGCCGACCAC[A>T]GGCCATCACTGGGGGAGGGTGGGGTGCACAAGGCAGAGAAGAGTCAACAGCAACTCCGGG-3'
Protein context (NP_000874.2, residues 414-434): SICITQEVMA[Cys424Ser]GRPQGTAVYK

ClinVar aggregate classification (germline): Uncertain significance. Review status: criteria provided, multiple submitters, no conflicts (2 of 4 stars). 2 submissions from 2 submitters: Uncertain significance (2). Last evaluated 2022-12-27.

Submissions (2):

Labcorp Genetics (formerly Invitae), Labcorp
Classification: Uncertain significance. Last evaluated: 2022-12-27. Review status: criteria provided, single submitter. Criteria: Invitae Variant Classification Sherloc (09022015). Collection method: clinical testing. Allele origin: germline.
Comment: This variant is not present in population databases (gnomAD no frequency). This variant has not been reported in the literature in individuals affected with IMPDH1-related conditions. Algorithms developed to predict the effect of missense changes on protein structure and function are either unavailable or do not agree on the potential impact of this missense change (SIFT: "Deleterious"; PolyPhen-2: "Benign"; Align-GVGD: "Class C0"). Algorithms developed to predict the effect of sequence changes on RNA splicing suggest that this variant may disrupt the consensus splice site. In summary, the available evidence is currently insufficient to determine the role of this variant in disease. Therefore, it has been classified as a Variant of Uncertain Significance. This sequence change replaces cysteine, which is neutral and slightly polar, with serine, which is neutral and polar, at codon 424 of the IMPDH1 protein (p.Cys424Ser).

Blueprint Genetics
Classification: Uncertain significance. Last evaluated: 2019-09-23. Review status: criteria provided, single submitter. Criteria: ACMG Guidelines, 2015. Collection method: clinical testing. Allele origin: germline.